The following is an entry in ClinVar:

NM_019842.4(KCNQ5):c.1496T>G (p.Val499Gly)

Gene: KCNQ5 (potassium voltage-gated channel subfamily Q member 5; plus strand). Cytogenetic location: 6q13.
Variant type: single nucleotide variant.
Coding change: c.1496T>G on transcript NM_019842.4 (MANE Select); coding-DNA position 1496, T replaced by G.
Protein change: p.Val499Gly; replaces valine 499 with glycine.
Molecular consequence: missense variant. On other transcripts: intron variant (1).
Genome position (GRCh38, 1-based): chr6:73,169,773, T>G. VCF-style: chr6-73169773-T-G. GRCh37 (hg19) VCF-style: chr6-73879496-T-G.
Other names: c.1469T>G, p.Val490Gly (NM_001160130.2); c.1526T>G, p.Val509Gly (NM_001160132.2); c.1553T>G, p.Val518Gly (NM_001160133.2); c.1248-20800T>G (NM_001160134.2); short protein forms V490G, V499G, V509G, V518G.
Identifiers: ClinVar variation 2559587 (VCV002559587.3), dbSNP rs946663074, ClinGen allele CA140901894.
Genomic context (GRCh38, chr6:73,169,773, plus strand): 5'-TGGTGTTATTTAACTGGCAATATTCTCTTGCAGCTGACACAGCCCTTGGCACTGATGATG[T>G]ATATGATGAAAAAGGATGCCAGTGTGATGTATCAGTGGAAGACCTCACCCCACCACTTAA-3'
Protein context (NP_062816.2, residues 489-509): DADTALGTDD[Val499Gly]YDEKGCQCDV

ClinVar aggregate classification (germline): Uncertain significance (1 of 4 stars; one submission).

Conditions:
Inborn genetic diseases. Identifiers: MedGen C0950123, MeSH D030342.

Allele frequency attached by ClinVar (database versions not stated): gnomAD exomes below 0.00001; TOPMed below 0.00001.
gnomAD v4.1: 5 of 1,613,678 alleles (0.00031%); highest among the groups gnomAD compares: Non-Finnish European, 0.00025%; no homozygotes.

Submission:

Ambry Genetics
Classification: Uncertain significance for Inborn genetic diseases. Last evaluated: 2026-03-02. Review status: criteria provided, single submitter. Criteria: Ambry Variant Classification Scheme 2023. Collection method: clinical testing. Allele origin: germline.
Comment: The c.1553T>G (p.V518G) alteration is located in exon 12 (coding exon 12) of the KCNQ5 gene. This alteration results from a T to G substitution at nucleotide position 1553, causing the valine (V) at amino acid position 518 to be replaced by a glycine (G). Based on data from gnomAD, the G allele has an overall frequency of <0.001% (1/251424) total alleles studied. The highest observed frequency was <0.001% (/) of alleles. Based on insufficient or conflicting evidence, the clinical significance of this alteration remains unclear.